The following is an entry in ClinVar:

ClinVar aggregate classification (germline): Uncertain significance. Review status: criteria provided, multiple submitters, no conflicts (2 of 4 stars). 3 submissions from 3 submitters: Uncertain significance (3). Last evaluated 2026-07-28.

Conditions:
Hereditary cancer-predisposing syndrome. Also called: Hereditary Cancer Syndrome; Neoplastic Syndromes, Hereditary; Hereditary neoplastic syndrome; Tumor predisposition. Identifiers: Orphanet 140162, MedGen C0027672, MeSH D009386, MONDO:0015356.
Tuberous sclerosis 2 (TSC2). Identifiers: Orphanet 805, MedGen C1860707, MONDO:0013199, OMIM 613254.
Tuberous sclerosis syndrome (TSC). Also called: Tuberous Sclerosis Complex; Tuberous sclerosis. Identifiers: Orphanet 805, MedGen C0041341, MONDO:0001734.

Submissions (3):

Ambry Genetics
Classification: Uncertain significance for Hereditary cancer-predisposing syndrome. Last evaluated: 2026-07-28. Review status: criteria provided, single submitter. Criteria: Ambry Variant Classification Scheme 2023. Collection method: clinical testing. Allele origin: germline.
Comment: The p.P666S variant (also known as c.1996C>T), located in coding exon 18 of the TSC2 gene, results from a C to T substitution at nucleotide position 1996. The proline at codon 666 is replaced by serine, an amino acid with similar properties. This amino acid position is conserved. In addition, the in silico prediction for this alteration is inconclusive. Based on the available evidence, the clinical significance of this variant remains unclear.

All of Us Research Program, National Institutes of Health
Classification: Uncertain significance for Tuberous sclerosis syndrome. Last evaluated: 2024-01-11. Review status: criteria provided, single submitter. Criteria: ACMG Guidelines, 2015. Collection method: clinical testing. Allele origin: germline. Inheritance: Autosomal dominant inheritance. Observed: 1 variant allele, 1 heterozygote.
Comment: This study involves interpretation of variants in research participants for the purpose of population health screening. Participant phenotype was not available at the time of variant classification. Additional details can be found in publication PMID: 35346344, PMCID: PMC8962531

Labcorp Genetics (formerly Invitae), Labcorp
Classification: Uncertain significance for Tuberous sclerosis 2. Last evaluated: 2023-12-20. Review status: criteria provided, single submitter. Criteria: Invitae Variant Classification Sherloc (09022015). Collection method: clinical testing. Allele origin: germline.
Comment: This sequence change replaces proline, which is neutral and non-polar, with serine, which is neutral and polar, at codon 666 of the TSC2 protein (p.Pro666Ser). This variant is not present in population databases (gnomAD no frequency). This variant has not been reported in the literature in individuals affected with TSC2-related conditions. ClinVar contains an entry for this variant (Variation ID: 1425749). Advanced modeling of protein sequence and biophysical properties (such as structural, functional, and spatial information, amino acid conservation, physicochemical variation, residue mobility, and thermodynamic stability) performed at Invitae indicates that this missense variant is not expected to disrupt TSC2 protein function with a negative predictive value of 95%. In summary, the available evidence is currently insufficient to determine the role of this variant in disease. Therefore, it has been classified as a Variant of Uncertain Significance.

NM_000548.5(TSC2):c.1996C>T (p.Pro666Ser)

Gene: TSC2 (TSC complex subunit 2; plus strand). Cytogenetic location: 16p13.3.
Variant type: single nucleotide variant.
Coding change: c.1996C>T on transcript NM_000548.5 (MANE Select); coding-DNA position 1996, C replaced by T.
Protein change: p.Pro666Ser; replaces proline 666 with serine.
Molecular consequence: missense variant.
Genome position (GRCh38, 1-based): chr16:2,071,833, C>T. VCF-style: chr16-2071833-C-T. GRCh37 (hg19) VCF-style: chr16-2121834-C-T.
Other names: c.1996C>T, p.Pro666Ser (NM_001077183.3, NM_001114382.3, NM_001363528.2 and 3 more transcripts); c.1885C>T, p.Pro629Ser (NM_001318827.2); c.1849C>T, p.Pro617Ser (NM_001318829.2); c.1396C>T, p.Pro466Ser (NM_001318831.2); c.2029C>T, p.Pro677Ser (NM_001318832.2); c.1996C>T (NM_000548.3); short protein forms P677S, P617S, P666S, P466S, P629S.
Identifiers: ClinVar variation 1425749 (VCV001425749.10), dbSNP rs2151305388, ClinGen allele CA394274426.